The following is an entry in ClinVar:

NM_015665.6(AAAS):c.580C>T (p.Arg194Ter)

Gene: AAAS (aladin WD repeat nucleoporin; minus strand). Cytogenetic location: 12q13.13.
Variant type: single nucleotide variant.
Coding change: c.580C>T on transcript NM_015665.6 (MANE Select); coding-DNA position 580, C replaced by T.
Protein change: p.Arg194Ter; replaces arginine 194 with a stop codon.
Molecular consequence: nonsense.
Genome position (GRCh38, 1-based): chr12:53,314,407, G>A on the plus strand (C>T on the coding strand, the complement: AAAS is on the minus strand). VCF-style: chr12-53314407-G-A. GRCh37 (hg19) VCF-style: chr12-53708191-G-A.
Other names: c.481C>T, p.Arg161Ter (NM_001173466.2); short protein forms R161*, R194*.
Identifiers: ClinVar variation 2735890 (VCV002735890.4), dbSNP rs750775106, ClinGen allele CA6599155.

ClinVar aggregate classification (germline): Pathogenic. Review status: criteria provided, multiple submitters, no conflicts (2 of 4 stars). 2 submissions from 2 submitters: Pathogenic (2). Last evaluated 2024-01-16.

Allele frequency attached by ClinVar (database versions not stated): gnomAD exomes 0.00001; ExAC 0.00002.
gnomAD v4.1: 11 of 1,614,166 alleles (0.00068%); highest among the groups gnomAD compares: South Asian, 0.0099%; no homozygotes.

Submissions (2):

GeneDx
Classification: Pathogenic. Last evaluated: 2024-01-16. Review status: criteria provided, single submitter. Criteria: GeneDx Variant Classification Process June 2021. Collection method: clinical testing. Allele origin: germline. Affected: yes.
Comment: Nonsense variant predicted to result in protein truncation or nonsense mediated decay in a gene for which loss of function is a known mechanism of disease; This variant is associated with the following publications: (PMID: 20687490, 21656342, 29874194, 22269647, 25525159, 16789645, 29237697, 34426522, 15516781, 16543750)

Labcorp Genetics (formerly Invitae), Labcorp
Classification: Pathogenic. Last evaluated: 2023-12-05. Review status: criteria provided, single submitter. Criteria: Invitae Variant Classification Sherloc (09022015). Collection method: clinical testing. Allele origin: germline.
Comment: This sequence change creates a premature translational stop signal (p.Arg194*) in the AAAS gene. It is expected to result in an absent or disrupted protein product. Loss-of-function variants in AAAS are known to be pathogenic (PMID: 11159947). This variant is present in population databases (rs750775106, gnomAD 0.01%). This premature translational stop signal has been observed in individuals with triple A syndrome (PMID: 15516781, 16543750, 22269647). Algorithms developed to predict the effect of sequence changes on RNA splicing suggest that this variant may disrupt the consensus splice site. For these reasons, this variant has been classified as Pathogenic.

Literature cited by the submitters: PubMed 11159947 (cited by Labcorp Genetics (formerly Invitae), Labcorp); PubMed 15516781 (cited by Labcorp Genetics (formerly Invitae), Labcorp); PubMed 16543750 (cited by Labcorp Genetics (formerly Invitae), Labcorp); PubMed 22269647 (cited by Labcorp Genetics (formerly Invitae), Labcorp).